The following is an entry in ClinVar:

ClinVar aggregate classification (germline): Uncertain significance (1 of 4 stars; one submission).

Conditions:
Hereditary cancer-predisposing syndrome. Also called: Neoplastic Syndromes, Hereditary; Tumor predisposition; Hereditary neoplastic syndrome; Hereditary Cancer Syndrome. Identifiers: Orphanet 140162, MedGen C0027672, MeSH D009386, MONDO:0015356.
Cardiovascular phenotype. Identifiers: MedGen CN230736.

Submission:

Ambry Genetics
Classification: Uncertain significance for Cardiovascular phenotype; Hereditary cancer-predisposing syndrome. Last evaluated: 2023-09-14. Review status: criteria provided, single submitter. Criteria: Ambry Variant Classification Scheme 2023. Collection method: clinical testing. Allele origin: germline.
Comment: The p.R294P variant (also known as c.881G>C), located in coding exon 9 of the LZTR1 gene, results from a G to C substitution at nucleotide position 881. The arginine at codon 294 is replaced by proline, an amino acid with dissimilar properties. This amino acid position is conserved. In addition, this alteration is predicted to be deleterious by in silico analysis. Since supporting evidence is limited at this time, the clinical significance of this alteration remains unclear.

NM_006767.4(LZTR1):c.881G>C (p.Arg294Pro)

Gene: LZTR1 (leucine zipper like post translational regulator 1; plus strand). Cytogenetic location: 22q11.21.
Variant type: single nucleotide variant.
Coding change: c.881G>C on transcript NM_006767.4 (MANE Select); coding-DNA position 881, G replaced by C.
Protein change: p.Arg294Pro; replaces arginine 294 with proline.
Molecular consequence: missense variant.
Genome position (GRCh38, 1-based): chr22:20,991,717, G>C. VCF-style: chr22-20991717-G-C. GRCh37 (hg19) VCF-style: chr22-21346006-G-C.
Other names: short protein forms R294P.
Identifiers: ClinVar variation 3238360 (VCV003238360.1), dbSNP rs1924613014.